The following is an entry in ClinVar:

ClinVar aggregate classification (germline): Pathogenic/Likely pathogenic. Review status: criteria provided, multiple submitters, no conflicts (2 of 4 stars). 2 submissions from 2 submitters: Pathogenic (1); Likely pathogenic (1). Last evaluated 2025-12-28.

Conditions:
Arterial tortuosity syndrome (ATORS). Identifiers: Orphanet 3342, MedGen C1859726, MONDO:0008818, OMIM 208050.
Familial thoracic aortic aneurysm and aortic dissection (TAAD). Also called: Thoracic aortic aneurysms and dissections. Identifiers: Orphanet 91387, MedGen C4707243, MONDO:0019625.

Allele frequency attached by ClinVar (database versions not stated): gnomAD exomes below 0.00001; TOPMed 0.00001.

Submissions (2):

Labcorp Genetics (formerly Invitae), Labcorp
Classification: Pathogenic for Arterial tortuosity syndrome. Last evaluated: 2025-12-28. Review status: criteria provided, single submitter. Criteria: Invitae Variant Classification Sherloc (09022015). Collection method: clinical testing. Allele origin: germline.
Comment: This sequence change creates a premature translational stop signal (p.Ala254Valfs*107) in the SLC2A10 gene. It is expected to result in an absent or disrupted protein product. Loss-of-function variants in SLC2A10 are known to be pathogenic (PMID: 17935213, 22488877, 23494979). This variant is not present in population databases (gnomAD no frequency). This variant has not been reported in the literature in individuals affected with SLC2A10-related conditions. ClinVar contains an entry for this variant (Variation ID: 2442860). For these reasons, this variant has been classified as Pathogenic.

CHEO Genetics Diagnostic Laboratory, Children's Hospital of Eastern Ontario
Classification: Likely pathogenic for Familial thoracic aortic aneurysm and aortic dissection. Last evaluated: 2022-04-05. Review status: criteria provided, single submitter. Criteria: ACMG Guidelines, 2015. Collection method: clinical testing. Allele origin: germline.

Literature cited by the submitters: PubMed 17935213 (cited by Labcorp Genetics (formerly Invitae), Labcorp); PubMed 22488877 (cited by Labcorp Genetics (formerly Invitae), Labcorp); PubMed 23494979 (cited by Labcorp Genetics (formerly Invitae), Labcorp).

NM_030777.4(SLC2A10):c.761_762del (p.Ala254fs)

Gene: SLC2A10 (solute carrier family 2 member 10; plus strand). Cytogenetic location: 20q13.12.
Variant type: Deletion.
Coding change: c.761_762del on transcript NM_030777.4 (MANE Select); coding-DNA positions 761 to 762, 2 bases deleted (CC; older notation c.761_762delCC).
Protein change: p.Ala254fs; shifts the reading frame from alanine 254.
Molecular consequence: frameshift variant.
Genome position (GRCh38, 1-based): chr20:46,725,797-46,725,798, CC deleted. VCF-style (leftmost placement, unchanged base first): chr20-46725796-GCC-G. GRCh37 (hg19) VCF-style: chr20-45354435-GCC-G.
Other names: short protein forms A254fs.
Identifiers: ClinVar variation 2442860 (VCV002442860.3), dbSNP rs1341502906, ClinGen allele CA744897931.